The following is an entry in ClinVar:

ClinVar aggregate classification (germline): Uncertain significance (1 of 4 stars; one submission).

gnomAD v4.1: 2 of 1,148,671 alleles (0.00017%); highest among the groups gnomAD compares: Non-Finnish European, 0.00023%; no homozygotes.

Submission:

Labcorp Genetics (formerly Invitae), Labcorp
Classification: Uncertain significance. Last evaluated: 2026-01-08. Review status: criteria provided, single submitter. Criteria: Invitae Variant Classification Sherloc (09022015). Collection method: clinical testing. Allele origin: germline.
Comment: This sequence change replaces asparagine, which is neutral and polar, with serine, which is neutral and polar, at codon 894 of the STAG2 protein (p.Asn894Ser). The frequency data for this variant in the population databases is considered unreliable, as metrics indicate poor data quality at this position in the gnomAD database. This variant has not been reported in the literature in individuals affected with STAG2-related conditions. Invitae Evidence Modeling of protein sequence and biophysical properties (such as structural, functional, and spatial information, amino acid conservation, physicochemical variation, residue mobility, and thermodynamic stability) indicates that this missense variant is not expected to disrupt STAG2 protein function with a negative predictive value of 80%. In summary, the available evidence is currently insufficient to determine the role of this variant in disease. Therefore, it has been classified as a Variant of Uncertain Significance.

NM_001042750.2(STAG2):c.2681A>G (p.Asn894Ser)

Gene: STAG2 (STAG2 cohesin complex component; plus strand). Cytogenetic location: Xq25.
Variant type: single nucleotide variant.
Coding change: c.2681A>G on transcript NM_001042750.2 (MANE Select); coding-DNA position 2681, A replaced by G.
Protein change: p.Asn894Ser; replaces asparagine 894 with serine.
Molecular consequence: missense variant.
Genome position (GRCh38, 1-based): chrX:124,077,964, A>G. VCF-style: chrX-124077964-A-G. GRCh37 (hg19) VCF-style: chrX-123211814-A-G.
Other names: c.2681A>G, p.Asn894Ser (NM_001042749.2, NM_001042751.2, NM_001282418.2 and 23 more transcripts); short protein forms N894S.
Identifiers: ClinVar variation 4810372 (VCV004810372.1).